The following is an entry in ClinVar:

NM_001042492.3(NF1):c.4673A>G (p.His1558Arg)

Gene: NF1 (neurofibromin 1; plus strand). Cytogenetic location: 17q11.2.
Variant type: single nucleotide variant.
Coding change: c.4673A>G on transcript NM_001042492.3 (MANE Select); coding-DNA position 4673, A replaced by G.
Protein change: p.His1558Arg; replaces histidine 1558 with arginine.
Molecular consequence: missense variant.
Genome position (GRCh38, 1-based): chr17:31,261,806, A>G. VCF-style: chr17-31261806-A-G. GRCh37 (hg19) VCF-style: chr17-29588824-A-G.
Other names: c.4610A>G, p.His1537Arg (NM_000267.4); short protein forms H1537R, H1558R.
Identifiers: ClinVar variation 825042 (VCV000825042.9), dbSNP rs1597748910, ClinGen allele CA399000462.
Genomic context (GRCh38, chr17:31,261,806, plus strand): 5'-AGATGGCAACACTTCTTGCATACCTGGGTCCTCCAGAGCACAAACCTGTGGCAGATACAC[A>G]CTGGTCCAGCCTTAACCTTACCAGTTCAAAGTTTGAGGAATTTATGACTAGGTAAAGTAC-3'
Protein context (NP_001035957.1, residues 1548-1568): PPEHKPVADT[His1558Arg]WSSLNLTSSK

ClinVar aggregate classification (germline): Uncertain significance. Review status: criteria provided, multiple submitters, no conflicts (2 of 4 stars). 3 submissions from 3 submitters: Uncertain significance (3). Last evaluated 2024-10-10.

Conditions:
Neurofibromatosis, type 1 (NF1). Also called: Neurofibromatosis, type I; Peripheral type neurofibromatosis; VON RECKLINGHAUSEN DISEASE; NEUROFIBROMATOSIS, TYPE I, SOMATIC. Identifiers: Orphanet 636, MedGen C0027831, MONDO:0018975, OMIM 162200. Disease mechanism: loss of function.
Hereditary cancer-predisposing syndrome. Also called: Neoplastic Syndromes, Hereditary; Hereditary Cancer Syndrome; Hereditary neoplastic syndrome; Tumor predisposition. Identifiers: Orphanet 140162, MedGen C0027672, MeSH D009386, MONDO:0015356.
Cardiovascular phenotype. Identifiers: MedGen CN230736.

Allele frequency attached by ClinVar (database versions not stated): gnomAD exomes below 0.00001.
gnomAD v4.1: 2 of 1,612,930 alleles (0.00012%); highest among the groups gnomAD compares: Non-Finnish European, 0.00017%; no homozygotes.

Submissions (3):

Molecular Pathology, Peter Maccallum Cancer Centre
Classification: Uncertain significance for Neurofibromatosis, type 1. Last evaluated: 2024-10-10. Review status: criteria provided, single submitter. Criteria: ACMG Guidelines, 2015. Collection method: clinical testing. Allele origin: germline. Inheritance: Autosomal dominant inheritance.

Ambry Genetics
Classification: Uncertain significance for Cardiovascular phenotype; Hereditary cancer-predisposing syndrome. Last evaluated: 2024-09-27. Review status: criteria provided, single submitter. Criteria: Ambry Variant Classification Scheme 2023. Collection method: clinical testing. Allele origin: germline.
Comment: The p.H1537R variant (also known as c.4610A>G), located in coding exon 34 of the NF1 gene, results from an A to G substitution at nucleotide position 4610. The histidine at codon 1537 is replaced by arginine, an amino acid with highly similar properties. This amino acid position is highly conserved in available vertebrate species. In addition, the in silico prediction for this alteration is inconclusive. Since supporting evidence is limited at this time, the clinical significance of this alteration remains unclear.

Labcorp Genetics (formerly Invitae), Labcorp
Classification: Uncertain significance for Neurofibromatosis, type 1. Last evaluated: 2023-11-01. Review status: criteria provided, single submitter. Criteria: Invitae Variant Classification Sherloc (09022015). Collection method: clinical testing. Allele origin: germline.
Comment: This sequence change replaces histidine, which is basic and polar, with arginine, which is basic and polar, at codon 1537 of the NF1 protein (p.His1537Arg). This variant is not present in population databases (gnomAD no frequency). This variant has not been reported in the literature in individuals affected with NF1-related conditions. ClinVar contains an entry for this variant (Variation ID: 825042). Advanced modeling of protein sequence and biophysical properties (such as structural, functional, and spatial information, amino acid conservation, physicochemical variation, residue mobility, and thermodynamic stability) performed at Invitae indicates that this missense variant is not expected to disrupt NF1 protein function with a negative predictive value of 95%. In summary, the available evidence is currently insufficient to determine the role of this variant in disease. Therefore, it has been classified as a Variant of Uncertain Significance.